The following is an entry in ClinVar:

NM_018668.5(VPS33B):c.1332G>A (p.Thr444=)

Gene: VPS33B (VPS33B late endosome and lysosome associated; minus strand). Cytogenetic location: 15q26.1.
Variant type: single nucleotide variant.
Coding change: c.1332G>A on transcript NM_018668.5 (MANE Select); coding-DNA position 1332, G replaced by A.
Protein change: p.Thr444=; no amino-acid change (threonine 444 retained).
Molecular consequence: synonymous variant.
Genome position (GRCh38, 1-based): chr15:91,002,123, C>T on the plus strand (G>A on the coding strand, the complement: VPS33B is on the minus strand). VCF-style: chr15-91002123-C-T. GRCh37 (hg19) VCF-style: chr15-91545353-C-T.
Other names: p.Thr444=; c.1251G>A, p.Thr417= (NM_001289148.1); c.1059G>A, p.Thr353= (NM_001289149.1).
Identifiers: ClinVar variation 317420 (VCV000317420.18), dbSNP rs147407982, ClinGen allele CA7744682.

ClinVar aggregate classification (germline): Benign/Likely benign. Review status: criteria provided, multiple submitters, no conflicts (2 of 4 stars). 6 submissions from 6 submitters: Benign (3); Likely benign (3). Last evaluated 2026-01-20.

Conditions:
Arthrogryposis, renal dysfunction, and cholestasis 1 (ARCS1). Identifiers: Orphanet 2697, MedGen C1859722, MONDO:0008822, OMIM 208085.

Allele frequency attached by ClinVar (database versions not stated): gnomAD exomes 0.00104; ExAC 0.00126; gnomAD 0.00385 and 0.00416; 1000 Genomes Project 0.00439; ESP Exome Variant Server 0.00439; TOPMed 0.00470; 1000 Genomes Project 30x 0.00484.

Submissions (6):

Labcorp Genetics (formerly Invitae), Labcorp
Classification: Benign. Last evaluated: 2026-01-20. Review status: criteria provided, single submitter. Criteria: Invitae Variant Classification Sherloc (09022015). Collection method: clinical testing. Allele origin: germline.

Mayo Clinic Laboratories, Mayo Clinic
Classification: Benign. Last evaluated: 2025-09-26. Review status: criteria provided, single submitter. Criteria: ACMG Guidelines, 2015. Collection method: clinical testing. Allele origin: germline. Observed: 7 variant alleles.
Comment: BS1, BS2, BP4, BP7

Blueprint Genetics
Classification: Likely benign. Last evaluated: 2024-05-02. Review status: criteria provided, single submitter. Criteria: ACMG Guidelines, 2015. Collection method: clinical testing. Allele origin: germline.

GeneDx
Classification: Likely benign. Last evaluated: 2021-01-11. Review status: criteria provided, single submitter. Criteria: GeneDx Variant Classification Process June 2021. Collection method: clinical testing. Allele origin: germline. Affected: yes.

Illumina Laboratory Services, Illumina
Classification: Benign for Arthrogryposis, renal dysfunction, and cholestasis 1. Last evaluated: 2018-01-13. Review status: criteria provided, single submitter. Criteria: ICSL Variant Classification Criteria 13 December 2019. Collection method: clinical testing. Allele origin: germline.
Comment: This variant was observed in the ICSL laboratory as part of a predisposition screen in an ostensibly healthy population. It had not been previously curated by ICSL or reported in the Human Gene Mutation Database (HGMD: prior to June 1st, 2018), and was therefore a candidate for classification through an automated scoring system. Utilizing variant allele frequency, disease prevalence and penetrance estimates, and inheritance mode, an automated score was calculated to assess if this variant is too frequent to cause the disease. Based on the score and internal cut-off values, a variant classified as benign is not then subjected to further curation. The score for this variant resulted in a classification of benign for this disease.

Breakthrough Genomics
Classification: Likely benign. Review status: criteria provided, single submitter. Criteria: ACMG Guidelines, 2015. Collection method: not provided. Allele origin: germline. Inheritance: Autosomal recessive inheritance. Affected: yes.